The following is an entry in ClinVar:

NM_001429.4(EP300):c.5589_5595del (p.Thr1864fs)

Gene: EP300 (EP300 lysine acetyltransferase; plus strand). Cytogenetic location: 22q13.2.
Variant type: Deletion.
Coding change: c.5589_5595del on transcript NM_001429.4 (MANE Select); coding-DNA positions 5589 to 5595, 7 bases deleted (AACCACC; older notation c.5589_5595delAACCACC).
Protein change: p.Thr1864fs; shifts the reading frame from threonine 1864.
Molecular consequence: frameshift variant.
Genome position (GRCh38, 1-based): chr22:41,177,300-41,177,306, AACCACC deleted; deleting any 7 consecutive bases within chr22:41,177,298-41,177,306 gives the same sequence; the c. name uses the placement nearest the transcript's 3' end. VCF-style (leftmost placement, unchanged base first): chr22-41177297-GCCAACCA-G. GRCh37 (hg19) VCF-style: chr22-41573301-GCCAACCA-G.
Other names: c.5511_5517del, p.Thr1838fs (NM_001362843.2); short protein forms T1864fs, T1838fs.
Identifiers: ClinVar variation 4249453 (VCV004249453.1).
Genomic context (GRCh38, chr22:41,177,297, plus strand): 5'-GCAGCAACAGGGCCTCCCTTCCCCCACTCCTGCCACTCCAACGACACCAACTGGCCAACA[GCCAACCA>G]CCCCGCAGACGCCCCAGCCCACTTCTCAGCCTCAGCCTACCCCTCCCAATAGCATGCCAC-3'

ClinVar aggregate classification (germline): Pathogenic (1 of 4 stars; one submission).

Conditions:
Inborn genetic diseases. Identifiers: MedGen C0950123, MeSH D030342.

Submission:

Ambry Genetics
Classification: Pathogenic for Inborn genetic diseases. Last evaluated: 2025-08-25. Review status: criteria provided, single submitter. Criteria: Ambry Variant Classification Scheme 2023. Collection method: clinical testing. Allele origin: germline.
Comment: The c.5589_5595delAACCACC (p.T1864Rfs*40) alteration, located in exon 31 (coding exon 31) of the EP300 gene, consists of a deletion of 7 nucleotides from position 5589 to 5595, causing a translational frameshift with a predicted alternate stop codon after 40 amino acids. This variant is not expected to trigger nonsense-mediated mRNA decay, and impacts the last 22.8% of the protein. However, premature stop codons are typically deleterious in nature, the impacted region is critical for protein function, and a significant portion of the protein is affected (Ambry internal data). ; however, its clinical significance for autosomal dominant EP300-related Menke-Hennekam syndrome is uncertain. This variant was not reported in population-based cohorts in the Genome Aggregation Database (gnomAD). Based on the available evidence, this alteration is classified as pathogenic.